The following is an entry in ClinVar:

NM_004187.5(KDM5C):c.1794C>G (p.Pro598=)

Gene: KDM5C (lysine demethylase 5C; minus strand). Cytogenetic location: Xp11.22.
Variant type: single nucleotide variant.
Coding change: c.1794C>G on transcript NM_004187.5 (MANE Select); coding-DNA position 1794, C replaced by G.
Protein change: p.Pro598=; no amino-acid change (proline 598 retained).
Molecular consequence: synonymous variant. On other transcripts: non-coding transcript variant (3).
Genome position (GRCh38, 1-based): chrX:53,201,926, G>C on the plus strand (C>G on the coding strand, the complement: KDM5C is on the minus strand). VCF-style: chrX-53201926-G-C. GRCh37 (hg19) VCF-style: chrX-53231108-G-C.
Other names: p.Pro598=; c.1794C>G (NM_004187.4); c.1593C>G, p.Pro531= (NM_001146702.2); c.1791C>G, p.Pro597= (NM_001282622.3, NM_001353979.2, NM_001353982.2); c.1794C>G, p.Pro598= (NM_001353978.3, NM_001353981.2, NM_001353984.2).
Identifiers: ClinVar variation 695652 (VCV000695652.20), dbSNP rs35353912, ClinGen allele CA10419486.

ClinVar aggregate classification (germline): Benign/Likely benign. Review status: criteria provided, multiple submitters, no conflicts (2 of 4 stars). 6 submissions from 6 submitters: Benign (4); Likely benign (1). 1 of the submissions does not count toward it. Last evaluated 2025-12-08.

Conditions:
KDM5C-related disorder. Also called: KDM5C-related condition.
Inborn genetic diseases. Identifiers: MedGen C0950123, MeSH D030342.
Spastic paraplegia. Identifiers: MedGen C0037772, HP:0001258.

Allele frequency attached by ClinVar (database versions not stated): 1000 Genomes Project 30x 0.00375; TOPMed 0.00450; ESP Exome Variant Server 0.00540.
gnomAD v4.1: 835 of 1,210,528 alleles (0.069%); highest among the groups gnomAD compares: African/African-American, 1.3%; 6 homozygotes.

Submissions (6):

Labcorp Genetics (formerly Invitae), Labcorp
Classification: Benign for Spastic paraplegia. Last evaluated: 2025-12-08. Review status: criteria provided, single submitter. Criteria: Invitae Variant Classification Sherloc (09022015). Collection method: clinical testing. Allele origin: germline.

Blueprint Genetics
Classification: Likely benign. Last evaluated: 2024-06-27. Review status: criteria provided, single submitter. Criteria: ACMG Guidelines, 2015. Collection method: clinical testing. Allele origin: germline.

Mayo Clinic Laboratories, Mayo Clinic
Classification: Benign. Last evaluated: 2023-11-06. Review status: criteria provided, single submitter. Criteria: ACMG Guidelines, 2015. Collection method: clinical testing. Allele origin: germline. Observed: 8 variant alleles.
Comment: BA1, BS2, BP4, BP7

GeneDx
Classification: Benign. Last evaluated: 2021-01-13. Review status: criteria provided, single submitter. Criteria: GeneDx Variant Classification Process June 2021. Collection method: clinical testing. Allele origin: germline. Affected: yes.

Ambry Genetics
Classification: Benign for Inborn genetic diseases. Last evaluated: 2017-08-07. Review status: criteria provided, single submitter. Criteria: Ambry Variant Classification Scheme 2023. Collection method: clinical testing. Allele origin: germline.

PreventionGenetics, part of Exact Sciences
Classification: Benign for KDM5C-related condition. Last evaluated: 2019-07-18. Review status: no assertion criteria provided. Collection method: clinical testing. Allele origin: germline. Not counted in ClinVar's aggregate classification.
Comment: This variant is classified as benign based on ACMG/AMP sequence variant interpretation guidelines (Richards et al. 2015 PMID: 25741868, with internal and published modifications).

Literature cited by the submitters: PubMed 24583395 (cited by Mayo Clinic Laboratories, Mayo Clinic).